The following is an entry in ClinVar:

NM_020693.4(DSCAML1):c.5674C>T (p.Arg1892Trp)

Gene: DSCAML1 (DS cell adhesion molecule like 1; minus strand). Cytogenetic location: 11q23.3.
Variant type: single nucleotide variant.
Coding change: c.5674C>T on transcript NM_020693.4 (MANE Select); coding-DNA position 5674, C replaced by T.
Protein change: p.Arg1892Trp; replaces arginine 1892 with tryptophan.
Molecular consequence: missense variant.
Genome position (GRCh38, 1-based): chr11:117,430,734, G>A on the plus strand (C>T on the coding strand, the complement: DSCAML1 is on the minus strand). VCF-style: chr11-117430734-G-A. GRCh37 (hg19) VCF-style: chr11-117301450-G-A.
Other names: short protein forms R1892W.
Identifiers: ClinVar variation 2413787 (VCV002413787.6), dbSNP rs201027576, ClinGen allele CA6296018.

ClinVar aggregate classification (germline): Uncertain significance (1 of 4 stars; one submission).

Allele frequency attached by ClinVar (database versions not stated): TOPMed 0.00006; ExAC 0.00008; gnomAD 0.00008; gnomAD exomes 0.00008; 1000 Genomes Project 30x 0.00094; 1000 Genomes Project 0.00100.
gnomAD v4.1: 122 of 1,612,346 alleles (0.0076%); highest among the groups gnomAD compares: South Asian, 0.018%; no homozygotes.

Submission:

Labcorp Genetics (formerly Invitae), Labcorp
Classification: Uncertain significance. Last evaluated: 2025-10-16. Review status: criteria provided, single submitter. Criteria: Invitae Variant Classification Sherloc (09022015). Collection method: clinical testing. Allele origin: germline.
Comment: This sequence change replaces arginine, which is basic and polar, with tryptophan, which is neutral and slightly polar, at codon 1952 of the DSCAML1 protein (p.Arg1952Trp). This variant is present in population databases (rs201027576, gnomAD 0.02%). This variant has not been reported in the literature in individuals affected with DSCAML1-related conditions. ClinVar contains an entry for this variant (Variation ID: 2413787). An algorithm developed to predict the effect of missense changes on protein structure and function (PolyPhen-2) suggests that this variant is likely to be disruptive. In summary, the available evidence is currently insufficient to determine the role of this variant in disease. Therefore, it has been classified as a Variant of Uncertain Significance.